The following is an entry in ClinVar:

ClinVar aggregate classification (germline): Uncertain significance (1 of 4 stars; one submission).

Allele frequency attached by ClinVar (database versions not stated): gnomAD exomes below 0.00001 and 0.00001.
gnomAD v4.1: 6 of 1,614,052 alleles (0.00037%); highest among the groups gnomAD compares: Non-Finnish European, 0.00042%; no homozygotes.

Submission:

Labcorp Genetics (formerly Invitae), Labcorp
Classification: Uncertain significance. Last evaluated: 2021-08-31. Review status: criteria provided, single submitter. Criteria: Invitae Variant Classification Sherloc (09022015). Collection method: clinical testing. Allele origin: germline.
Comment: This sequence change replaces glycine with arginine at codon 1215 of the NPHS1 protein (p.Gly1215Arg). The glycine residue is moderately conserved and there is a moderate physicochemical difference between glycine and arginine. This variant is not present in population databases (ExAC no frequency). This variant has not been reported in the literature in individuals affected with NPHS1-related conditions. Advanced modeling of protein sequence and biophysical properties (such as structural, functional, and spatial information, amino acid conservation, physicochemical variation, residue mobility, and thermodynamic stability) performed at Invitae indicates that this missense variant is not expected to disrupt NPHS1 protein function. In summary, the available evidence is currently insufficient to determine the role of this variant in disease. Therefore, it has been classified as a Variant of Uncertain Significance.

NM_004646.4(NPHS1):c.3643G>A (p.Gly1215Arg)

Gene: NPHS1 (NPHS1 adhesion molecule, nephrin; minus strand). Cytogenetic location: 19q13.12.
Variant type: single nucleotide variant.
Coding change: c.3643G>A on transcript NM_004646.4 (MANE Select); coding-DNA position 3643, G replaced by A.
Protein change: p.Gly1215Arg; replaces glycine 1215 with arginine.
Molecular consequence: missense variant.
Genome position (GRCh38, 1-based): chr19:35,826,597, C>T on the plus strand (G>A on the coding strand, the complement: NPHS1 is on the minus strand). VCF-style: chr19-35826597-C-T. GRCh37 (hg19) VCF-style: chr19-36317499-C-T.
Other names: short protein forms G1215R.
Identifiers: ClinVar variation 1423073 (VCV001423073.5), dbSNP rs901965982, ClinGen allele CA307827442.